The following is an entry in ClinVar:

NM_002206.3(ITGA7):c.1040G>T (p.Arg347Leu)

Gene: ITGA7 (integrin subunit alpha 7; minus strand). Cytogenetic location: 12q13.2.
Variant type: single nucleotide variant.
Coding change: c.1040G>T on transcript NM_002206.3 (MANE Select); coding-DNA position 1040, G replaced by T.
Protein change: p.Arg347Leu; replaces arginine 347 with leucine.
Molecular consequence: missense variant. On other transcripts: 5 prime UTR variant (1).
Genome position (GRCh38, 1-based): chr12:55,698,535, C>A on the plus strand (G>T on the coding strand, the complement: ITGA7 is on the minus strand). VCF-style: chr12-55698535-C-A. GRCh37 (hg19) VCF-style: chr12-56092319-C-A.
Other names: c.1052G>T, p.Arg351Leu (NM_001144996.2, NM_001414029.1, NM_001414030.1); c.761G>T, p.Arg254Leu (NM_001144997.2); c.713G>T, p.Arg238Leu (NM_001367993.1); c.-253G>T (NM_001367994.1); c.1040G>T, p.Arg347Leu (NM_001374465.1, NM_001414031.1, NM_001414034.1); c.1172G>T, p.Arg391Leu (NM_001410977.1); c.920G>T, p.Arg307Leu (NM_001414032.1); c.857G>T, p.Arg286Leu (NM_001414033.1); and 1 more; short protein forms R254L, R347L, R351L, R238L, R391L, R234L, R286L, R307L.
Identifiers: ClinVar variation 423592 (VCV000423592.3), dbSNP rs775063840, ClinGen allele CA16619576.

ClinVar aggregate classification (germline): Uncertain significance. Review status: criteria provided, multiple submitters, no conflicts (2 of 4 stars). 2 submissions from 2 submitters: Uncertain significance (2). Last evaluated 2025-09-25.

gnomAD v4.1: 1 of 1,614,118 alleles (0.000062%); highest among the groups gnomAD compares: Non-Finnish European, 0.000085%; no homozygotes.

Submissions (2):

Ambry Genetics
Classification: Uncertain significance. Last evaluated: 2025-09-25. Review status: criteria provided, single submitter. Criteria: Ambry Variant Classification Scheme 2023. Collection method: clinical testing. Allele origin: germline.

GeneDx
Classification: Uncertain significance. Last evaluated: 2017-02-21. Review status: criteria provided, single submitter. Criteria: GeneDx Variant Classification (06012015). Collection method: clinical testing. Allele origin: germline. Affected: yes.
Comment: The R347L variant has not been published as a pathogenic variant, nor has it been reported as a benign variant to our knowledge. The R347L variant is not observed in large population cohorts (Lek et al., 2016; 1000 Genomes Consortium et al., 2015; Exome Variant Server). This variant is a non-conservative amino acid substitution, which is likely to impact secondary protein structure as these residues differ in polarity, charge, size and/or other properties. This substitution occurs at a position that is conserved across species, and in silico analysis predicts this variant is probably damaging to the protein structure/function. However, missense variants in nearby residues have not been reported in the Human Gene Mutation Database in association with ITGA7-related disorders (Stenson et al., 2014).